The following is an entry in ClinVar:

ClinVar aggregate classification (germline): Uncertain significance (1 of 4 stars; one submission).

Submission:

Labcorp Genetics (formerly Invitae), Labcorp
Classification: Uncertain significance. Last evaluated: 2022-12-31. Review status: criteria provided, single submitter. Criteria: Invitae Variant Classification Sherloc (09022015). Collection method: clinical testing. Allele origin: germline.
Comment: In summary, the available evidence is currently insufficient to determine the role of this variant in disease. Therefore, it has been classified as a Variant of Uncertain Significance. Advanced modeling of protein sequence and biophysical properties (such as structural, functional, and spatial information, amino acid conservation, physicochemical variation, residue mobility, and thermodynamic stability) performed at Invitae indicates that this missense variant is not expected to disrupt COMP protein function. This variant has not been reported in the literature in individuals affected with COMP-related conditions. This variant is not present in population databases (gnomAD no frequency). This sequence change replaces histidine, which is basic and polar, with arginine, which is basic and polar, at codon 656 of the COMP protein (p.His656Arg).

NM_000095.3(COMP):c.1967A>G (p.His656Arg)

Gene: COMP (cartilage oligomeric matrix protein; minus strand). Cytogenetic location: 19p13.11.
Variant type: single nucleotide variant.
Coding change: c.1967A>G on transcript NM_000095.3 (MANE Select); coding-DNA position 1967, A replaced by G.
Protein change: p.His656Arg; replaces histidine 656 with arginine.
Molecular consequence: missense variant.
Genome position (GRCh38, 1-based): chr19:18,784,311, T>C on the plus strand (A>G on the coding strand, the complement: COMP is on the minus strand). VCF-style: chr19-18784311-T-C. GRCh37 (hg19) VCF-style: chr19-18895121-T-C.
Other names: short protein forms H656R.
Identifiers: ClinVar variation 2825233 (VCV002825233.3), dbSNP rs2512844661, ClinGen allele CA404877340.